The following is an entry in ClinVar:

ClinVar aggregate classification (germline): Uncertain significance (1 of 4 stars; one submission).

Submission:

Women's Health and Genetics/Laboratory Corporation of America, LabCorp
Classification: Uncertain significance. Last evaluated: 2024-09-17. Review status: criteria provided, single submitter. Criteria: LabCorp Variant Classification Summary - May 2015. Collection method: clinical testing. Allele origin: germline.
Comment: Variant summary: TCF4 c.740A>G (p.His247Arg) results in a non-conservative amino acid change in the encoded protein sequence. Four of five in-silico tools predict a damaging effect of the variant on protein function. The variant was absent in 250970 control chromosomes. The available data on variant occurrences in the general population are insufficient to allow any conclusion about variant significance. To our knowledge, no occurrence of c.740A>G in individuals affected with Pitt-Hopkins Syndrome and no experimental evidence demonstrating its impact on protein function have been reported. No submitters have cited clinical-significance assessments for this variant to ClinVar. Based on the evidence outlined above, the variant was classified as uncertain significance.

NM_001083962.2(TCF4):c.740A>G (p.His247Arg)

Gene: TCF4 (transcription factor 4; minus strand). Cytogenetic location: 18q21.2.
Variant type: single nucleotide variant.
Coding change: c.740A>G on transcript NM_001083962.2 (MANE Select); coding-DNA position 740, A replaced by G.
Protein change: p.His247Arg; replaces histidine 247 with arginine.
Molecular consequence: missense variant.
Genome position (GRCh38, 1-based): chr18:55,275,668, T>C on the plus strand (A>G on the coding strand, the complement: TCF4 is on the minus strand). VCF-style: chr18-55275668-T-C. GRCh37 (hg19) VCF-style: chr18-52942899-T-C.
Other names: c.1046A>G, p.His349Arg (NM_001243226.3); c.668A>G, p.His223Arg (NM_001243227.2, NM_001306207.1, NM_001348217.1 and 9 more transcripts); c.758A>G, p.His253Arg (NM_001243228.2); c.734A>G, p.His245Arg (NM_001243230.2); c.614A>G, p.His205Arg (NM_001243231.2, NM_001348211.2); c.527A>G, p.His176Arg (NM_001243232.1, NM_001306208.1); c.350A>G, p.His117Arg (NM_001243233.2, NM_001330605.3, NM_001348212.2 and 1 more transcripts); c.260A>G, p.His87Arg (NM_001243234.2, NM_001243235.2, NM_001243236.2 and 2 more transcripts); and 4 more; short protein forms H117R, H176R, H205R, H222R, H223R, H245R, H246R, H247R.
Identifiers: ClinVar variation 3375422 (VCV003375422.1).